The following is an entry in ClinVar:

NM_015909.4(NBAS):c.3963G>C (p.Gln1321His)

Gene: NBAS (NBAS subunit of NRZ tethering complex; minus strand). Cytogenetic location: 2p24.3.
Variant type: single nucleotide variant.
Coding change: c.3963G>C on transcript NM_015909.4 (MANE Select); coding-DNA position 3963, G replaced by C.
Protein change: p.Gln1321His; replaces glutamine 1321 with histidine.
Molecular consequence: missense variant. On other transcripts: non-coding transcript variant (1).
Genome position (GRCh38, 1-based): chr2:15,353,679, C>G on the plus strand (G>C on the coding strand, the complement: NBAS is on the minus strand). VCF-style: chr2-15353679-C-G. GRCh37 (hg19) VCF-style: chr2-15493803-C-G.
Other names: short protein forms Q1321H.
Identifiers: ClinVar variation 1947779 (VCV001947779.5), dbSNP rs2528581779, ClinGen allele CA345890423.
Genomic context (GRCh38, chr2:15,353,679, plus strand): 5'-AGCAAAAGCCATGAGCTCTTGACGAGTGGCCAAGTCCTGGTAACCTTCTGATTGTCCTAA[C>G]TGGCTACAAACATCCCAACTTTTAGGATAACCTGCAAAATTGGCAAGGAAAAAAATGATT-3'
Protein context (NP_056993.2, residues 1311-1331): GYPKSWDVCS[Gln1321His]LGQSEGYQDL

ClinVar aggregate classification (germline): Uncertain significance (1 of 4 stars; one submission).

Submission:

Labcorp Genetics (formerly Invitae), Labcorp
Classification: Uncertain significance. Last evaluated: 2022-03-20. Review status: criteria provided, single submitter. Criteria: Invitae Variant Classification Sherloc (09022015). Collection method: clinical testing. Allele origin: germline.
Comment: This sequence change replaces glutamine, which is neutral and polar, with histidine, which is basic and polar, at codon 1321 of the NBAS protein (p.Gln1321His). This variant is not present in population databases (gnomAD no frequency). This variant has not been reported in the literature in individuals affected with NBAS-related conditions. Algorithms developed to predict the effect of missense changes on protein structure and function are either unavailable or do not agree on the potential impact of this missense change (SIFT: "Deleterious"; PolyPhen-2: "Possibly Damaging"; Align-GVGD: "Class C15"). In summary, the available evidence is currently insufficient to determine the role of this variant in disease. Therefore, it has been classified as a Variant of Uncertain Significance.